The following is an entry in ClinVar:

ClinVar aggregate classification (germline): Likely benign. Review status: criteria provided, multiple submitters, no conflicts (2 of 4 stars). 3 submissions from 3 submitters: Likely benign (3). Last evaluated 2026-05-07.

gnomAD v4.1: 43 of 1,613,954 alleles (0.0027%); highest among the groups gnomAD compares: Middle Eastern, 0.016%; no homozygotes.

Submissions (3):

Women's Health and Genetics/Laboratory Corporation of America, LabCorp
Classification: Likely benign. Last evaluated: 2026-05-07. Review status: criteria provided, single submitter. Criteria: LabCorp Variant Classification Summary - May 2015. Collection method: clinical testing. Allele origin: germline.
Comment: Variant summary: ACVR1 c.1188C>T alters a conserved nucleotide resulting in a synonymous change. Consensus agreement among computation tools predict no significant impact on normal splicing. However, these predictions have yet to be confirmed by functional studies. The variant allele was found at a frequency of 3.2e-05 in 251288 control chromosomes. The available data on variant occurrences in the general population are insufficient to allow any conclusion about variant significance. To our knowledge, no occurrence of c.1188C>T in individuals affected with ACVR1-related conditions and no experimental evidence demonstrating its impact on protein function have been reported. ClinVar contains an entry for this variant (Variation ID: 4280855). Based on the evidence outlined above, the variant was classified as likely benign.

CeGaT Center for Human Genetics Tuebingen
Classification: Likely benign. Last evaluated: 2025-09-01. Review status: criteria provided, single submitter. Criteria: CeGaT Center For Human Genetics Tuebingen Variant Classification Criteria Version 2. Collection method: clinical testing. Allele origin: germline. Affected: yes. Observed: 1 variant allele.
Comment: ACVR1: BP4, BP7

Labcorp Genetics (formerly Invitae), Labcorp
Classification: Likely benign. Last evaluated: 2025-06-04. Review status: criteria provided, single submitter. Criteria: Invitae Variant Classification Sherloc (09022015). Collection method: clinical testing. Allele origin: germline.

NM_001111067.4(ACVR1):c.1188C>T (p.Phe396=)

Gene: ACVR1 (activin A receptor type 1; minus strand). Cytogenetic location: 2q24.1.
Variant type: single nucleotide variant.
Coding change: c.1188C>T on transcript NM_001111067.4 (MANE Select); coding-DNA position 1188, C replaced by T.
Protein change: p.Phe396=; no amino-acid change (phenylalanine 396 retained).
Molecular consequence: synonymous variant.
Genome position (GRCh38, 1-based): chr2:157,760,956, G>A on the plus strand (C>T on the coding strand, the complement: ACVR1 is on the minus strand). VCF-style: chr2-157760956-G-A. GRCh37 (hg19) VCF-style: chr2-158617468-G-A.
Other names: c.1188C>T, p.Phe396= (NM_001105.5, NM_001347663.1, NM_001347664.1 and 3 more transcripts).
Identifiers: ClinVar variation 4280855 (VCV004280855.9).
Genomic context (GRCh38, chr2:157,760,956, plus strand): 5'-CCTGGCCACTTCCCACAAAACAAGTCCAAAGGCCCAAATATCGACCCTTTTATAAGAATC[G>A]AAACAATCCACCTGGATGGTTTCATCTAGAACTTCGGGGGCCATGTAGCGCTTGGTGCCC-3'
Protein context (NP_001104537.1, residues 386-406): VLDETIQVDC[Phe396=]DSYKRVDIWA